The following is an entry in ClinVar:

NM_001378609.3(OTOGL):c.1285+1G>C

Gene: OTOGL (otogelin like; plus strand). Cytogenetic location: 12q21.31.
Variant type: single nucleotide variant.
Coding change: c.1285+1G>C on transcript NM_001378609.3 (MANE Select); the canonical splice donor site of the intron after coding-DNA position 1285, G replaced by C.
Molecular consequence: splice donor variant.
Genome position (GRCh38, 1-based): chr12:80,252,202, G>C. VCF-style: chr12-80252202-G-C. GRCh37 (hg19) VCF-style: chr12-80645982-G-C.
Other names: c.1285+1G>C (NM_001368062.3, NM_001378610.3, NM_173591.7).
Identifiers: ClinVar variation 4537938 (VCV004537938.3).

ClinVar aggregate classification (germline): Uncertain significance. Review status: criteria provided, multiple submitters, no conflicts (2 of 4 stars). 2 submissions from 2 submitters: Uncertain significance (2). Last evaluated 2025-06-10.

Conditions:
Autosomal recessive nonsyndromic hearing loss 84B. Also called: Deafness, autosomal recessive 84b. Identifiers: Orphanet 90636, MedGen C3554159, MONDO:0013984, OMIM 614944.

gnomAD v4.1: 35 of 1,597,816 alleles (0.0022%); highest among the groups gnomAD compares: South Asian, 0.036%; 2 homozygotes.

Submissions (2):

GeneDx
Classification: Uncertain significance. Last evaluated: 2025-06-10. Review status: criteria provided, single submitter. Criteria: GeneDx Variant Classification Process June 2021. Collection method: clinical testing. Allele origin: germline. Affected: yes.
Comment: Canonical splice site variant predicted to result in an in-frame loss of the adjacent exon in a gene for which loss of function is a known mechanism of disease; Has not been previously published as pathogenic or benign to our knowledge

Juno Genomics, Hangzhou Juno Genomics, Inc
Classification: Uncertain significance for Autosomal recessive nonsyndromic hearing loss 84B. Review status: criteria provided, single submitter. Criteria: ACMG Guidelines, 2015. Collection method: clinical testing. Allele origin: germline.
Comment: Null variant in a gene where loss of function (LOF) is a known mechanism of disease.;Absent from controls (or at extremely low frequency if recessive) in Genome Aggregation Database.